The following is an entry in ClinVar:

ClinVar aggregate classification (germline): Uncertain significance. Review status: criteria provided, single submitter (1 of 4 stars). 2 submissions from 2 submitters: Uncertain significance (1). 1 of the submissions does not count toward it. Last evaluated 2025-12-08.

Conditions:
WHIM syndrome 2 (SCN13). Also called: NEUTROPENIA, SEVERE CONGENITAL, 13, AUTOSOMAL RECESSIVE; WARTS, HYPOGAMMAGLOBULINEMIA, INFECTIONS, AND MYELOKATHEXIS SYNDROME 2. Identifiers: MedGen C5543622, MONDO:0030374, OMIM 619407.

Allele frequency attached by ClinVar (database versions not stated): gnomAD 0.00003; TOPMed 0.00004; ExAC 0.00001.
gnomAD v4.1: 37 of 1,614,062 alleles (0.0023%); highest among the groups gnomAD compares: Admixed American, 0.0083%; no homozygotes.

Submissions (2):

Labcorp Genetics (formerly Invitae), Labcorp
Classification: Uncertain significance. Last evaluated: 2025-12-08. Review status: criteria provided, single submitter. Criteria: Invitae Variant Classification Sherloc (09022015). Collection method: clinical testing. Allele origin: germline.
Comment: This sequence change replaces arginine, which is basic and polar, with cysteine, which is neutral and slightly polar, at codon 144 of the CXCR2 protein (p.Arg144Cys). This variant is present in population databases (rs141722043, gnomAD 0.009%). This missense change has been observed in individuals with neutropenia (PMID: 34854278; internal data). ClinVar contains an entry for this variant (Variation ID: 1979261). An algorithm developed to predict the effect of missense changes on protein structure and function (PolyPhen-2) suggests that this variant is likely to be disruptive. This variant disrupts the p.Arg144 amino acid residue in CXCR2. Other variant(s) that disrupt this residue have been observed in individuals with CXCR2-related conditions (PMID: 34854278, 39086298; internal data), which suggests that this may be a clinically significant amino acid residue. In summary, the available evidence is currently insufficient to determine the role of this variant in disease. Therefore, it has been classified as a Variant of Uncertain Significance.

OMIM
Classification: Pathogenic for NEUTROPENIA, SEVERE CONGENITAL, 13, AUTOSOMAL RECESSIVE. Last evaluated: 2026-05-21. Review status: no assertion criteria provided. Collection method: literature only. Allele origin: germline. Not counted in ClinVar's aggregate classification.

Literature cited by the submitters: PubMed 34854278 (cited by Labcorp Genetics (formerly Invitae), Labcorp and OMIM); PubMed 39086298 (cited by Labcorp Genetics (formerly Invitae), Labcorp).

NM_001557.4(CXCR2):c.430C>T (p.Arg144Cys)

Gene: CXCR2 (C-X-C motif chemokine receptor 2; plus strand). Cytogenetic location: 2q35.
Variant type: single nucleotide variant.
Coding change: c.430C>T on transcript NM_001557.4 (MANE Select); coding-DNA position 430, C replaced by T.
Protein change: p.Arg144Cys; replaces arginine 144 with cysteine.
Molecular consequence: missense variant.
Genome position (GRCh38, 1-based): chr2:218,135,231, C>T. VCF-style: chr2-218135231-C-T. GRCh37 (hg19) VCF-style: chr2-218999954-C-T.
Other names: c.430C>T, p.Arg144Cys (NM_001168298.2); short protein forms R144C.
Identifiers: ClinVar variation 1979261 (VCV001979261.4), dbSNP rs141722043, ClinGen allele CA2101698.